The following is an entry in ClinVar:

ClinVar aggregate classification (germline): Pathogenic/Likely pathogenic. Review status: criteria provided, multiple submitters, no conflicts (2 of 4 stars). 2 submissions from 2 submitters: Pathogenic (1); Likely pathogenic (1). Last evaluated 2024-06-18.

Conditions:
RSPH3-related disorder. Also called: RSPH3-related condition.
Primary ciliary dyskinesia 32. Also called: CILIARY DYSKINESIA, PRIMARY, 32, WITHOUT SITUS INVERSUS. Identifiers: Orphanet 244, MedGen C4225311, MONDO:0014657, OMIM 616481.

Submissions (2):

Blueprint Genetics
Classification: Likely pathogenic for RSPH3-related disorders. Last evaluated: 2024-06-18. Review status: criteria provided, single submitter. Criteria: ACMG Guidelines, 2015. Collection method: clinical testing. Allele origin: germline. Affected: yes. Observed: 2 variant alleles.

Labcorp Genetics (formerly Invitae), Labcorp
Classification: Pathogenic for Primary ciliary dyskinesia 32. Last evaluated: 2021-10-10. Review status: criteria provided, single submitter. Criteria: Invitae Variant Classification Sherloc (09022015). Collection method: clinical testing. Allele origin: germline.
Comment: This sequence change creates a premature translational stop signal (p.Pro42Argfs*48) in the RSPH3 gene. It is expected to result in an absent or disrupted protein product. Loss-of-function variants in RSPH3 are known to be pathogenic (PMID: 26073779). This variant is not present in population databases (ExAC no frequency). This variant has not been reported in the literature in individuals affected with RSPH3-related conditions. For these reasons, this variant has been classified as Pathogenic.

Literature cited by the submitters: PubMed 26073779 (cited by Labcorp Genetics (formerly Invitae), Labcorp).

NM_031924.8(RSPH3):c.-302_-301del

Gene: RSPH3 (radial spoke head 3; minus strand). Cytogenetic location: 6q25.3.
Variant type: Deletion.
Coding change: c.-302_-301del on transcript NM_031924.8 (MANE Select); 302 bases upstream of the start codon through 301 bases upstream of the start codon, 2 bases deleted (CC; older notation c.-302_-301delCC).
Molecular consequence: 5 prime UTR variant. On other transcripts: frameshift variant (1), non-coding transcript variant (1).
Genome position (GRCh38, 1-based): chr6:158,999,851-158,999,852, GG deleted on the plus strand (CC on the coding strand, the reverse complement: RSPH3 is on the minus strand); deleting any 2 consecutive bases within chr6:158,999,851-158,999,853 gives the same sequence; the c. name uses the placement nearest the transcript's 3' end. VCF-style (leftmost placement, unchanged base first): chr6-158999850-CGG-C. GRCh37 (hg19) VCF-style: chr6-159420882-CGG-C.
Other names: c.125_126del, p.Pro42fs (NM_001346418.1); short protein forms P42fs.
Identifiers: ClinVar variation 1457344 (VCV001457344.7), dbSNP rs1443891718, ClinGen allele CA571904852.
Genomic context (GRCh38, chr6:158,999,850, plus strand): 5'-AGCAACCCAGGGTTCTGTCTGGGGGCGGGAACTCCGGGCAGTTCCGGTCCCCAGGTTTCC[CGG>C]GAAGGACTGCGGCACAAGGGACTTCCGGCTCTTGACTCCGCCCAGCCGCGCCACCCAGGT-3'